The following is an entry in ClinVar:

NM_022168.4(IFIH1):c.1557_1558del (p.Lys519fs)

Gene: IFIH1 (interferon induced with helicase C domain 1; minus strand). Cytogenetic location: 2q24.2.
Variant type: Deletion.
Coding change: c.1557_1558del on transcript NM_022168.4 (MANE Select); coding-DNA positions 1557 to 1558, 2 bases deleted (AA; older notation c.1557_1558delAA).
Protein change: p.Lys519fs; shifts the reading frame from lysine 519.
Molecular consequence: frameshift variant.
Genome position (GRCh38, 1-based): chr2:162,280,079-162,280,080, TT deleted on the plus strand (AA on the coding strand, the reverse complement: IFIH1 is on the minus strand); deleting any 2 consecutive bases within chr2:162,280,079-162,280,082 gives the same sequence; the c. name uses the placement nearest the transcript's 3' end. VCF-style (leftmost placement, unchanged base first): chr2-162280078-GTT-G. GRCh37 (hg19) VCF-style: chr2-163136588-GTT-G.
Other names: c.1557_1558delAA (NM_022168.4, NM_022168.3); c.1557_1558del (NM_022168.3); short protein forms K519fs.
Identifiers: ClinVar variation 2940099 (VCV002940099.7), dbSNP rs1466828817, ClinGen allele CA759855717.
Genomic context (GRCh38, chr2:162,280,078, plus strand): 5'-GCAAACTTCTTGCATGGCTCCTGTATTTGGTTTTTCAGTTGATCAAGGTTTTCTTTAACA[GTT>G]TTAATAGTAAATGCATCAAGATTGGCACATAGCTGGAAAAGAGACATTTTTCAATATTTA-3'

ClinVar aggregate classification (germline): Conflicting classifications of pathogenicity. Review status: criteria provided, conflicting classifications (1 of 4 stars). 5 submissions from 5 submitters: Uncertain significance (4); Likely benign (1). Last evaluated 2025-03-05.

Conditions:
Singleton-Merten syndrome 1 (SGMRT1). Also called: Widened medullary cavities of bone, aortic calcification, abnormal dentition, and muscular weakness; Syndrome of widened medullary cavities of the metacarpals and phalanges, aortic calcification and abnormal dentition. Identifiers: Orphanet 85191, MedGen C4225427, MONDO:0024535, OMIM 182250.
Aicardi-Goutieres syndrome 7 (AGS7). Identifiers: Orphanet 51, MedGen C3888244, MONDO:0014367, OMIM 615846.
IFIH1-related disorder. Also called: IFIH1-related condition.

Submissions (5):

PreventionGenetics, part of Exact Sciences
Classification: Uncertain significance for IFIH1-related condition. Last evaluated: 2025-03-05. Review status: criteria provided, single submitter. Criteria: ACMG Guidelines, 2015. Collection method: clinical testing. Allele origin: germline.
Comment: The IFIH1 c.1557_1558delAA variant is predicted to result in a frameshift and premature protein termination (p.Lys519Asnfs*3). To our knowledge, this variant has not been reported in the literature or in a large population database (gnomAD), indicating this variant is rare. Loss of function is not an established mechanism of IFIH1-related disease. At this time, the clinical significance of this variant is uncertain due to the absence of conclusive functional and genetic evidence.

GeneDx
Classification: Uncertain significance. Last evaluated: 2025-01-27. Review status: criteria provided, single submitter. Criteria: GeneDx Variant Classification Process June 2021. Collection method: clinical testing. Allele origin: germline. Affected: yes.
Comment: Not observed at significant frequency in large population cohorts (gnomAD); Frameshift variant predicted to result in protein truncation or nonsense mediated decay in a gene or region of a gene for which loss of function is not a well-established mechanism of disease; Has not been previously published as pathogenic or benign to our knowledge

Women's Health and Genetics/Laboratory Corporation of America, LabCorp
Classification: Uncertain significance. Last evaluated: 2024-08-22. Review status: criteria provided, single submitter. Criteria: LabCorp Variant Classification Summary - May 2015. Collection method: clinical testing. Allele origin: germline.
Comment: Variant summary: IFIH1 c.1557_1558delAA (p.Lys519AsnfsX3) results in a premature termination codon, predicted to cause a truncation of the encoded protein or absence of the protein due to nonsense mediated decay, however current evidence is not sufficient to establish loss of function as a mechanism for disease. The variant was absent in 249670 control chromosomes. The available data on variant occurrences in the general population are insufficient to allow any conclusion about variant significance. To our knowledge, no occurrence of c.1557_1558delAA in individuals affected with Aicardi-Goutieres Syndrome 7 and no experimental evidence demonstrating its impact on protein function have been reported. ClinVar contains an entry for this variant (Variation ID: 2940099). Based on the evidence outlined above, the variant was classified as uncertain significance.

Labcorp Genetics (formerly Invitae), Labcorp
Classification: Likely benign for Aicardi-Goutieres syndrome 7; Singleton-Merten syndrome 1. Last evaluated: 2024-04-15. Review status: criteria provided, single submitter. Criteria: Invitae Variant Classification Sherloc (09022015). Collection method: clinical testing. Allele origin: germline.

Blueprint Genetics
Classification: Uncertain significance. Last evaluated: 2024-04-08. Review status: criteria provided, single submitter. Criteria: ACMG Guidelines, 2015. Collection method: clinical testing. Allele origin: germline.